The following is an entry in ClinVar:

ClinVar aggregate classification (germline): Uncertain significance. Review status: criteria provided, multiple submitters, no conflicts (2 of 4 stars). 4 submissions from 4 submitters: Uncertain significance (3). 1 of the submissions does not count toward it. Last evaluated 2025-12-09.

Conditions:
SDCCAG8-related disorder. Also called: SDCCAG8-related condition; SDCCAG8-Related Disorders.
Senior-Loken syndrome 7 (SLSN7). Identifiers: Orphanet 3156, MedGen C3150877, MONDO:0013326, OMIM 613615.
Bardet-Biedl syndrome 16 (BBS16). Identifiers: Orphanet 110, MedGen C3889474, MONDO:0014444, OMIM 615993.
Inborn genetic diseases. Identifiers: MedGen C0950123, MeSH D030342.

Allele frequency attached by ClinVar (database versions not stated): ExAC 0.00001; gnomAD 0.00001; gnomAD exomes 0.00002 and 0.00004; TOPMed 0.00002; 1000 Genomes Project 30x 0.00031; 1000 Genomes Project 0.00040.
gnomAD v4.1: 57 of 1,614,128 alleles (0.0035%); highest among the groups gnomAD compares: Non-Finnish European, 0.0045%; no homozygotes.

Submissions (4):

Ambry Genetics
Classification: Uncertain significance for Inborn genetic diseases. Last evaluated: 2025-12-09. Review status: criteria provided, single submitter. Criteria: Ambry Variant Classification Scheme 2023. Collection method: clinical testing. Allele origin: germline.

Blueprint Genetics
Classification: Uncertain significance. Last evaluated: 2022-05-03. Review status: criteria provided, single submitter. Criteria: ACMG Guidelines, 2015. Collection method: clinical testing. Allele origin: germline.

Labcorp Genetics (formerly Invitae), Labcorp
Classification: Uncertain significance for Bardet-Biedl syndrome 16; Senior-Loken syndrome 7. Last evaluated: 2022-02-22. Review status: criteria provided, single submitter. Criteria: Invitae Variant Classification Sherloc (09022015). Collection method: clinical testing. Allele origin: germline.
Comment: Algorithms developed to predict the effect of sequence changes on RNA splicing suggest that this variant may disrupt the consensus splice site. This sequence change replaces asparagine, which is neutral and polar, with serine, which is neutral and polar, at codon 187 of the SDCCAG8 protein (p.Asn187Ser). This variant is present in population databases (rs185077992, gnomAD 0.007%). This variant has not been reported in the literature in individuals affected with SDCCAG8-related conditions. ClinVar contains an entry for this variant (Variation ID: 853533). Algorithms developed to predict the effect of missense changes on protein structure and function are either unavailable or do not agree on the potential impact of this missense change (SIFT: "Tolerated"; PolyPhen-2: "Possibly Damaging"; Align-GVGD: "Class C0"). In summary, the available evidence is currently insufficient to determine the role of this variant in disease. Therefore, it has been classified as a Variant of Uncertain Significance.

PreventionGenetics, part of Exact Sciences
Classification: Uncertain significance for SDCCAG8-related condition. Last evaluated: 2023-12-30. Review status: no assertion criteria provided. Collection method: clinical testing. Allele origin: germline. Not counted in ClinVar's aggregate classification.
Comment: The SDCCAG8 c.560A>G variant is predicted to result in the amino acid substitution p.Asn187Ser. To our knowledge, this variant has not been reported in the literature. This variant is reported in 0.0062% of alleles in individuals of African descent in gnomAD. At this time, the clinical significance of this variant is uncertain due to the absence of conclusive functional and genetic evidence.

NM_006642.5(SDCCAG8):c.560A>G (p.Asn187Ser)

Gene: SDCCAG8 (SHH signaling and ciliogenesis regulator SDCCAG8; plus strand). Cytogenetic location: 1q43.
Variant type: single nucleotide variant.
Coding change: c.560A>G on transcript NM_006642.5 (MANE Select); coding-DNA position 560, A replaced by G.
Protein change: p.Asn187Ser; replaces asparagine 187 with serine.
Molecular consequence: missense variant. On other transcripts: 5 prime UTR variant (3).
Genome position (GRCh38, 1-based): chr1:243,293,104, A>G. VCF-style: chr1-243293104-A-G. GRCh37 (hg19) VCF-style: chr1-243456406-A-G.
Other names: c.-553A>G (NM_001350246.2); c.-441A>G (NM_001350247.2); c.560A>G, p.Asn187Ser (NM_001350248.2); c.266A>G, p.Asn89Ser (NM_001350249.2); c.-814A>G (NM_001350251.2); short protein forms N187S, N89S.
Identifiers: ClinVar variation 853533 (VCV000853533.10), dbSNP rs185077992, ClinGen allele CA1483348.